The following is an entry in ClinVar:

ClinVar aggregate classification (germline): Uncertain significance (1 of 4 stars; one submission).

Submission:

Labcorp Genetics (formerly Invitae), Labcorp
Classification: Uncertain significance. Last evaluated: 2025-12-01. Review status: criteria provided, single submitter. Criteria: Invitae Variant Classification Sherloc (09022015). Collection method: clinical testing. Allele origin: germline.
Comment: This sequence change replaces serine, which is neutral and polar, with asparagine, which is neutral and polar, at codon 1144 of the ERBIN protein (p.Ser1144Asn). This variant is not present in population databases (gnomAD no frequency). This variant has not been reported in the literature in individuals affected with ERBIN-related conditions. An algorithm developed to predict the effect of missense changes on protein structure and function (PolyPhen-2) suggests that this variant is likely to be disruptive. In summary, the available evidence is currently insufficient to determine the role of this variant in disease. Therefore, it has been classified as a Variant of Uncertain Significance.

NM_001253697.2(ERBIN):c.3431G>A (p.Ser1144Asn)

Gene: ERBIN (erbb2 interacting protein; plus strand). Cytogenetic location: 5q12.3.
Variant type: single nucleotide variant.
Coding change: c.3431G>A on transcript NM_001253697.2 (MANE Select); coding-DNA position 3431, G replaced by A.
Protein change: p.Ser1144Asn; replaces serine 1144 with asparagine.
Molecular consequence: missense variant.
Genome position (GRCh38, 1-based): chr5:66,054,749, G>A. VCF-style: chr5-66054749-G-A. GRCh37 (hg19) VCF-style: chr5-65350577-G-A.
Other names: c.3431G>A, p.Ser1144Asn (NM_001006600.3, NM_001253698.2, NM_001253699.2 and 1 more transcripts); c.3419G>A, p.Ser1140Asn (NM_001253701.2); short protein forms S1140N, S1144N.
Identifiers: ClinVar variation 4761630 (VCV004761630.1).
Genomic context (GRCh38, chr5:66,054,749, plus strand): 5'-AGAGACCCCTTTCTGCACGAACATACAGCATAGATGGTCCAAATGCATCAAGACCTCAGA[G>A]TGCTCGACCCTCTATTAATGAAATACCAGAGAGAACTATGTCAGTTAGTGATTTCAATTA-3'
Protein context (NP_001240626.1, residues 1134-1154): IDGPNASRPQ[Ser1144Asn]ARPSINEIPE